The following is an entry in ClinVar:

ClinVar aggregate classification (germline): Uncertain significance. Review status: criteria provided, multiple submitters, no conflicts (2 of 4 stars). 2 submissions from 2 submitters: Uncertain significance (2). Last evaluated 2025-10-10.

Conditions:
Hereditary cancer-predisposing syndrome. Also called: Tumor predisposition; Hereditary Cancer Syndrome; Neoplastic Syndromes, Hereditary; Hereditary neoplastic syndrome. Identifiers: Orphanet 140162, MedGen C0027672, MeSH D009386, MONDO:0015356.
Neuroblastoma, susceptibility to, 3. Also called: ALK-Related Neuroblastic Tumor Susceptibility. Identifiers: Orphanet 635, MedGen C2751681, MONDO:0013083, OMIM 613014.

Allele frequency attached by ClinVar (database versions not stated): gnomAD exomes below 0.00001; TOPMed 0.00002; ESP Exome Variant Server 0.00008.
gnomAD v4.1: 6 of 1,614,056 alleles (0.00037%); highest among the groups gnomAD compares: East Asian, 0.0022%; no homozygotes.

Submissions (2):

Ambry Genetics
Classification: Uncertain significance for Hereditary cancer-predisposing syndrome. Last evaluated: 2025-10-10. Review status: criteria provided, single submitter. Criteria: Ambry Variant Classification Scheme 2023. Collection method: clinical testing. Allele origin: germline.
Comment: The p.R1120Q variant (also known as c.3359G>A), located in coding exon 20 of the ALK gene, results from a G to A substitution at nucleotide position 3359. The arginine at codon 1120 is replaced by glutamine, an amino acid with highly similar properties. However, this change occurs in the last base pair of coding exon 20 and may have some effect on normal mRNA splicing. This nucleotide position is highly conserved in available vertebrate species. In silico splice site analysis for this alteration is inconclusive. This amino acid position is highly conserved in available vertebrate species. In addition, as a missense substitution this is predicted to be inconclusive by in silico analysis. However, loss of function of ALK has not been clearly established as a mechanism of disease. Since supporting evidence is limited at this time, the clinical significance of this variant remains unclear.

Labcorp Genetics (formerly Invitae), Labcorp
Classification: Uncertain significance for Neuroblastoma, susceptibility to, 3. Last evaluated: 2025-07-27. Review status: criteria provided, single submitter. Criteria: Invitae Variant Classification Sherloc (09022015). Collection method: clinical testing. Allele origin: germline.
Comment: This sequence change replaces arginine, which is basic and polar, with glutamine, which is neutral and polar, at codon 1120 of the ALK protein (p.Arg1120Gln). This variant also falls at the last nucleotide of exon 20, which is part of the consensus splice site for this exon. This variant is not present in population databases (gnomAD no frequency). This variant has not been reported in the literature in individuals affected with ALK-related conditions. ClinVar contains an entry for this variant (Variation ID: 1010916). An algorithm developed to predict the effect of missense changes on protein structure and function (PolyPhen-2) suggests that this variant is likely to be disruptive. Variants that disrupt the consensus splice site are a relatively common cause of aberrant splicing (PMID: 17576681, 9536098). In summary, the available evidence is currently insufficient to determine the role of this variant in disease. Therefore, it has been classified as a Variant of Uncertain Significance.

Literature cited by the submitters: PubMed 17576681 (cited by Labcorp Genetics (formerly Invitae), Labcorp); PubMed 9536098 (cited by Labcorp Genetics (formerly Invitae), Labcorp).

NM_004304.5(ALK):c.3359G>A (p.Arg1120Gln)

Gene: ALK (ALK receptor tyrosine kinase; minus strand). Cytogenetic location: 2p23.2.
Variant type: single nucleotide variant.
Coding change: c.3359G>A on transcript NM_004304.5 (MANE Select); coding-DNA position 3359, G replaced by A.
Protein change: p.Arg1120Gln; replaces arginine 1120 with glutamine.
Molecular consequence: missense variant.
Genome position (GRCh38, 1-based): chr2:29,223,342, C>T on the plus strand (G>A on the coding strand, the complement: ALK is on the minus strand). VCF-style: chr2-29223342-C-T. GRCh37 (hg19) VCF-style: chr2-29446208-C-T.
Other names: c.155G>A, p.Arg52Gln (NM_001353765.2); short protein forms R1120Q, R52Q.
Identifiers: ClinVar variation 1010916 (VCV001010916.12), dbSNP rs374188635, ClinGen allele CA44631939.